The following is an entry in ClinVar:

ClinVar aggregate classification (germline): Conflicting classifications of pathogenicity. Review status: criteria provided, conflicting classifications (1 of 4 stars). 3 submissions from 3 submitters: Uncertain significance (1); Benign (1); Likely benign (1). Last evaluated 2025-10-29.

Conditions:
Long QT syndrome (LQTS). Identifiers: MedGen C0023976, MeSH D008133, MONDO:0002442. Disease mechanism: loss of function. Inheritance: Various modes of inheritance.
Cardiovascular phenotype. Identifiers: MedGen CN230736.

Allele frequency attached by ClinVar (database versions not stated): gnomAD 0.00001; TOPMed 0.00001; gnomAD exomes 0.00004; ExAC 0.00008.
gnomAD v4.1: 73 of 1,605,020 alleles (0.0045%); highest among the groups gnomAD compares: Non-Finnish European, 0.0054%; no homozygotes.

Submissions (3):

Ambry Genetics
Classification: Benign for Cardiovascular phenotype. Last evaluated: 2025-10-29. Review status: criteria provided, single submitter. Criteria: Ambry Variant Classification Scheme 2023. Collection method: clinical testing. Allele origin: germline.

Labcorp Genetics (formerly Invitae), Labcorp
Classification: Uncertain significance for Long QT syndrome. Last evaluated: 2023-12-04. Review status: criteria provided, single submitter. Criteria: Invitae Variant Classification Sherloc (09022015). Collection method: clinical testing. Allele origin: germline.
Comment: This sequence change replaces proline, which is neutral and non-polar, with alanine, which is neutral and non-polar, at codon 2019 of the CACNA1C protein (p.Pro2019Ala). This variant is present in population databases (rs773185026, gnomAD 0.008%). This variant has not been reported in the literature in individuals affected with CACNA1C-related conditions. ClinVar contains an entry for this variant (Variation ID: 1063455). Advanced modeling of protein sequence and biophysical properties (such as structural, functional, and spatial information, amino acid conservation, physicochemical variation, residue mobility, and thermodynamic stability) performed at Invitae indicates that this missense variant is not expected to disrupt CACNA1C protein function with a negative predictive value of 95%. In summary, the available evidence is currently insufficient to determine the role of this variant in disease. Therefore, it has been classified as a Variant of Uncertain Significance.

Blueprint Genetics
Classification: Likely benign. Last evaluated: 2022-01-14. Review status: criteria provided, single submitter. Criteria: ACMG Guidelines, 2015. Collection method: clinical testing. Allele origin: germline.

NM_000719.7(CACNA1C):c.6055C>G (p.Pro2019Ala)

Genes: CACNA1C (calcium voltage-gated channel subunit alpha1 C; plus strand), CACNA1C-AS1 (CACNA1C antisense RNA 1; minus strand). Cytogenetic location: 12p13.33.
Variant type: single nucleotide variant.
Coding change: c.6055C>G on transcript NM_000719.7 (MANE Select); coding-DNA position 6055, C replaced by G.
Protein change: p.Pro2019Ala; replaces proline 2019 with alanine.
Molecular consequence: missense variant.
Genome position (GRCh38, 1-based): chr12:2,688,717, C>G. VCF-style: chr12-2688717-C-G. GRCh37 (hg19) VCF-style: chr12-2797883-C-G.
Other names: c.6199C>G, p.Pro2067Ala (NM_001129827.2); c.6178C>G, p.Pro2060Ala (NM_001129829.2); c.6160C>G, p.Pro2054Ala (NM_001129830.3, NM_001167624.3); c.6139C>G, p.Pro2047Ala (NM_001129831.2); c.6115C>G, p.Pro2039Ala (NM_001129832.2); c.6112C>G, p.Pro2038Ala (NM_001129833.2, NM_001129834.2, NM_001129835.2); c.6106C>G, p.Pro2036Ala (NM_001129836.2); c.6079C>G, p.Pro2027Ala (NM_001129837.2, NM_001129838.2); and 6 more; short protein forms P2008A, P2016A, P2019A, P2025A, P2027A, P2036A, P2038A, P2039A.
Identifiers: ClinVar variation 1063455 (VCV001063455.11), dbSNP rs773185026, ClinGen allele CA6390067.